The following is an entry in ClinVar:

NM_000245.4(MET):c.3509G>T (p.Arg1170Leu)

Gene: MET (MET proto-oncogene, receptor tyrosine kinase; plus strand). Cytogenetic location: 7q31.2.
Variant type: single nucleotide variant.
Coding change: c.3509G>T on transcript NM_000245.4 (MANE Select); coding-DNA position 3509, G replaced by T.
Protein change: p.Arg1170Leu; replaces arginine 1170 with leucine.
Molecular consequence: missense variant.
Genome position (GRCh38, 1-based): chr7:116,778,944, G>T. VCF-style: chr7-116778944-G-T. GRCh37 (hg19) VCF-style: chr7-116418998-G-T.
Other names: c.3563G>T, p.Arg1188Leu (NM_001127500.3); c.2219G>T, p.Arg740Leu (NM_001324402.2); short protein forms R1188L, R1170L, R740L.
Identifiers: ClinVar variation 836823 (VCV000836823.12), dbSNP rs369838973, ClinGen allele CA164909192.

ClinVar aggregate classification (germline): Uncertain significance. Review status: criteria provided, multiple submitters, no conflicts (2 of 4 stars). 2 submissions from 2 submitters: Uncertain significance (2). Last evaluated 2026-06-29.

Conditions:
Renal cell carcinoma. Identifiers: Orphanet 217071, MedGen C0007134, MeSH D002292, MONDO:0005086, HP:0005584.
Hereditary cancer-predisposing syndrome. Also called: Tumor predisposition; Hereditary neoplastic syndrome; Neoplastic Syndromes, Hereditary; Hereditary Cancer Syndrome. Identifiers: Orphanet 140162, MedGen C0027672, MeSH D009386, MONDO:0015356.

Allele frequency attached by ClinVar (database versions not stated): ESP Exome Variant Server 0.00008.

Submissions (2):

Ambry Genetics
Classification: Uncertain significance for Hereditary cancer-predisposing syndrome. Last evaluated: 2026-06-29. Review status: criteria provided, single submitter. Criteria: Ambry Variant Classification Scheme 2023. Collection method: clinical testing. Allele origin: germline.
Comment: The p.R1188L variant (also known as c.3563G>T), located in coding exon 16 of the MET gene, results from a G to T substitution at nucleotide position 3563. The arginine at codon 1188 is replaced by leucine, an amino acid with dissimilar properties. This amino acid position is highly conserved in available vertebrate species. In addition, this alteration is predicted to be deleterious by in silico analysis. Based on the available evidence, the clinical significance of this variant remains unclear.

Labcorp Genetics (formerly Invitae), Labcorp
Classification: Uncertain significance for Renal cell carcinoma. Last evaluated: 2024-11-16. Review status: criteria provided, single submitter. Criteria: Invitae Variant Classification Sherloc (09022015). Collection method: clinical testing. Allele origin: germline.
Comment: This sequence change replaces arginine, which is basic and polar, with leucine, which is neutral and non-polar, at codon 1188 of the MET protein (p.Arg1188Leu). This variant is not present in population databases (gnomAD no frequency). This variant has not been reported in the literature in individuals affected with MET-related conditions. ClinVar contains an entry for this variant (Variation ID: 836823). Invitae Evidence Modeling of protein sequence and biophysical properties (such as structural, functional, and spatial information, amino acid conservation, physicochemical variation, residue mobility, and thermodynamic stability) indicates that this missense variant is expected to disrupt MET protein function with a positive predictive value of 80%. In summary, the available evidence is currently insufficient to determine the role of this variant in disease. Therefore, it has been classified as a Variant of Uncertain Significance.